The following is an entry in ClinVar:

NM_001377.3(DYNC2H1):c.7729G>T (p.Gly2577Ter)

Gene: DYNC2H1 (dynein cytoplasmic 2 heavy chain 1; plus strand). Cytogenetic location: 11q22.3.
Variant type: single nucleotide variant.
Coding change: c.7729G>T on transcript NM_001377.3 (MANE Select); coding-DNA position 7729, G replaced by T.
Protein change: p.Gly2577Ter; replaces glycine 2577 with a stop codon.
Molecular consequence: nonsense.
Genome position (GRCh38, 1-based): chr11:103,197,953, G>T. VCF-style: chr11-103197953-G-T. GRCh37 (hg19) VCF-style: chr11-103068682-G-T.
Other names: c.7729G>T, p.Gly2577Ter (NM_001080463.2); short protein forms G2577*.
Identifiers: ClinVar variation 5013201 (VCV005013201.1).

ClinVar aggregate classification (germline): Pathogenic (1 of 4 stars; one submission).

Conditions:
Asphyxiating thoracic dystrophy 3. Also called: Saldino-Noonan Syndrome; SHORT-RIB THORACIC DYSPLASIA 3 WITH OR WITHOUT POLYDACTYLY; POLYDACTYLY WITH NEONATAL CHONDRODYSTROPHY, TYPE I; SHORT-RIB THORACIC DYSPLASIA 3/6 WITH POLYDACTYLY, DIGENIC; Short rib polydactyly syndrome 2B. Identifiers: Orphanet 474, Orphanet 93269, Orphanet 93270, Orphanet 93271, MedGen C0036069, MONDO:0013127, OMIM 613091.

Submission:

Myriad Genetics, Inc.
Classification: Pathogenic for Asphyxiating thoracic dystrophy 3. Last evaluated: 2024-06-18. Review status: criteria provided, single submitter. Criteria: Myriad Autosomal Dominant, Autosomal Recessive and X-Linked Classification Criteria (2023). Collection method: clinical testing. Allele origin: unknown.
Comment: NM_001377.2(DYNC2H1):c.7729G>T(G2577*) is expected to be pathogenic in the context of DYNC2H1-related disorders. This variant is predicted to lead to an abnormal or absent protein product due to the creation of a premature termination codon in DYNC2H1, a gene where loss-of-function variants are known to be pathogenic. Please note: this variant was assessed in the context of healthy population screening.